The following is an entry in ClinVar:

NM_139276.3(STAT3):c.*1325A>G

Gene: STAT3 (signal transducer and activator of transcription 3; minus strand). Cytogenetic location: 17q21.2.
Variant type: single nucleotide variant.
Coding change: c.*1325A>G on transcript NM_139276.3 (MANE Select); 1325 bases downstream of the stop codon, A replaced by G.
Molecular consequence: 3 prime UTR variant.
Genome position (GRCh38, 1-based): chr17:42,314,420, T>C on the plus strand (A>G on the coding strand, the complement: STAT3 is on the minus strand). VCF-style: chr17-42314420-T-C. GRCh37 (hg19) VCF-style: chr17-40466438-T-C.
Other names: c.*1325A>G (NM_001369512.1, NM_001369513.1, NM_001369514.1 and 10 more transcripts); c.*1419A>G (NM_001369517.1, NM_001369518.1, NM_001369519.1 and 4 more transcripts).
Identifiers: ClinVar variation 323223 (VCV000323223.6), dbSNP rs3744483, ClinGen allele CA10649242.

ClinVar aggregate classification (germline): Benign. Review status: criteria provided, multiple submitters, no conflicts (2 of 4 stars). 2 submissions from 2 submitters: Benign (2). Last evaluated 2018-01-13.

Conditions:
Hyper-IgE recurrent infection syndrome 1, autosomal dominant. Also called: HYPER-IgE SYNDROME 1, AUTOSOMAL DOMINANT, WITH RECURRENT INFECTIONS; JOB SYNDROME; Job's Syndrome; STAT3 Hyper IgE Syndrome; Hyper-IgE recurrent infection syndrome 1. Identifiers: Orphanet 2314, MedGen C2936739, MONDO:0007818, OMIM 147060.

Allele frequency attached by ClinVar (database versions not stated): gnomAD exomes 0.24476; TOPMed 0.26236; gnomAD 0.26908 and 0.26991; 1000 Genomes Project 30x 0.30231; 1000 Genomes Project 0.30631.

Submissions (2):

Illumina Laboratory Services, Illumina
Classification: Benign for Hyper-IgE recurrent infection syndrome 1, autosomal dominant. Last evaluated: 2018-01-13. Review status: criteria provided, single submitter. Criteria: ICSL Variant Classification Criteria 13 December 2019. Collection method: clinical testing. Allele origin: germline.
Comment: This variant was observed in the ICSL laboratory as part of a predisposition screen in an ostensibly healthy population. It had not been previously curated by ICSL or reported in the Human Gene Mutation Database (HGMD: prior to June 1st, 2018), and was therefore a candidate for classification through an automated scoring system. Utilizing variant allele frequency, disease prevalence and penetrance estimates, and inheritance mode, an automated score was calculated to assess if this variant is too frequent to cause the disease. Based on the score and internal cut-off values, a variant classified as benign is not then subjected to further curation. The score for this variant resulted in a classification of benign for this disease.

Breakthrough Genomics
Classification: Benign. Review status: criteria provided, single submitter. Criteria: ACMG Guidelines, 2015. Collection method: not provided. Allele origin: germline. Inheritance: Autosomal dominant inheritance. Affected: yes.